The following is an entry in ClinVar:

ClinVar aggregate classification (germline): Uncertain significance (1 of 4 stars; one submission).

gnomAD v4.1: 4 of 1,612,940 alleles (0.00025%); highest among the groups gnomAD compares: African/African-American, 0.0027%; no homozygotes.

Submission:

GeneDx
Classification: Uncertain significance. Last evaluated: 2025-01-06. Review status: criteria provided, single submitter. Criteria: GeneDx Variant Classification Process June 2021. Collection method: clinical testing. Allele origin: germline. Affected: yes.
Comment: Not observed at significant frequency in large population cohorts (gnomAD); In silico analysis supports that this missense variant has a deleterious effect on protein structure/function; Has not been previously published as pathogenic or benign to our knowledge

NM_001384140.1(PCDH15):c.3404A>T (p.Gln1135Leu)

Gene: PCDH15 (protocadherin related 15; minus strand). Cytogenetic location: 10q21.1.
Variant type: single nucleotide variant.
Coding change: c.3404A>T on transcript NM_001384140.1 (MANE Select); coding-DNA position 3404, A replaced by T.
Protein change: p.Gln1135Leu; replaces glutamine 1135 with leucine.
Molecular consequence: missense variant.
Genome position (GRCh38, 1-based): chr10:53,903,340, T>A on the plus strand (A>T on the coding strand, the complement: PCDH15 is on the minus strand). VCF-style: chr10-53903340-T-A. GRCh37 (hg19) VCF-style: chr10-55663100-T-A.
Other names: c.3419A>T, p.Gln1140Leu (NM_001142763.2, NM_001142771.2); c.3404A>T, p.Gln1135Leu (NM_001142764.2, NM_001142766.2, NM_001142770.3 and 4 more transcripts); c.3191A>T, p.Gln1064Leu (NM_001142765.2); c.3293A>T, p.Gln1098Leu (NM_001142767.2); c.3338A>T, p.Gln1113Leu (NM_001142768.2, NM_001142773.2, NM_001354404.2); c.3440A>T, p.Gln1147Leu (NM_001142769.4); c.3425A>T, p.Gln1142Leu (NM_001354411.2); short protein forms Q1064L, Q1098L, Q1113L, Q1135L, Q1140L, Q1142L, Q1147L.
Identifiers: ClinVar variation 4056912 (VCV004056912.1).